The following is an entry in ClinVar:

ClinVar aggregate classification (germline): Uncertain significance. Review status: criteria provided, multiple submitters, no conflicts (2 of 4 stars). 5 submissions from 5 submitters: Uncertain significance (5). Last evaluated 2026-08-01.

Conditions:
Bronchiectasis with or without elevated sweat chloride 2 (BESC2). Identifiers: Orphanet 60033, MedGen C2751666, MONDO:0013087, OMIM 613021.
Pseudohypoaldosteronism, type IB1, autosomal recessive. Also called: Pseudohypoaldosteronism, Type I, Autosomal Recessive; Autosomal recessive pseudohypoaldosteronism type 1; PHA I, AUTOSOMAL RECESSIVE; Pseudohypoaldosteronism, Type I, Recessive. Identifiers: Orphanet 171876, Orphanet 756, MedGen C5774176, MONDO:0009917, OMIM 264350.
Liddle syndrome 3. Identifiers: MedGen C4748292, MONDO:0029132, OMIM 618126.

Allele frequency attached by ClinVar (database versions not stated): gnomAD exomes 0.00012; ExAC 0.00015; TOPMed 0.00016; gnomAD 0.00019 and 0.00020.
gnomAD v4.1: 506 of 1,612,836 alleles (0.031%); highest among the groups gnomAD compares: Non-Finnish European, 0.039%; 2 homozygotes.

Submissions (5):

CeGaT Center for Human Genetics Tuebingen
Classification: Uncertain significance. Last evaluated: 2026-08-01. Review status: criteria provided, single submitter. Criteria: CeGaT Center For Human Genetics Tuebingen Variant Classification Criteria Version 2. Collection method: clinical testing. Allele origin: germline. Affected: yes. Observed: 1 variant allele.

Labcorp Genetics (formerly Invitae), Labcorp
Classification: Uncertain significance. Last evaluated: 2024-09-05. Review status: criteria provided, single submitter. Criteria: Invitae Variant Classification Sherloc (09022015). Collection method: clinical testing. Allele origin: germline.
Comment: This sequence change replaces arginine, which is basic and polar, with tryptophan, which is neutral and slightly polar, at codon 476 of the SCNN1A protein (p.Arg476Trp). This variant is present in population databases (rs113622727, gnomAD 0.03%). This variant has not been reported in the literature in individuals affected with SCNN1A-related conditions. ClinVar contains an entry for this variant (Variation ID: 1331718). Invitae Evidence Modeling of protein sequence and biophysical properties (such as structural, functional, and spatial information, amino acid conservation, physicochemical variation, residue mobility, and thermodynamic stability) indicates that this missense variant is not expected to disrupt SCNN1A protein function with a negative predictive value of 80%. Experimental studies have shown that this missense change affects SCNN1A function (PMID: 27582106). In summary, the available evidence is currently insufficient to determine the role of this variant in disease. Therefore, it has been classified as a Variant of Uncertain Significance.

Fulgent Genetics
Classification: Uncertain significance for Pseudohypoaldosteronism, type IB1, autosomal recessive; Bronchiectasis with or without elevated sweat chloride 2; Liddle syndrome 3. Last evaluated: 2024-03-06. Review status: criteria provided, single submitter. Criteria: ACMG Guidelines, 2015. Collection method: clinical testing. Allele origin: germline.

Johns Hopkins Genomics, Johns Hopkins University
Classification: Uncertain significance for Bronchiectasis with or without elevated sweat chloride 2. Last evaluated: 2021-10-20. Review status: criteria provided, single submitter. Criteria: ACMG Guidelines, 2015. Collection method: clinical testing. Allele origin: germline.
Comment: This variant (rs113622727) is rare (<0.1%) in a large population dataset (gnomAD: 37/279758 total alleles; 0.01323%; no homozygotes). It has not been reported in ClinVar. One functional study suggests that this variant increases the function of ENaC and decreases channel self inhibition in Xenopus oocytes. This study has not been replicated to our knowledge. We consider the clinical significance of SCNN1A c.1426C>T to be uncertain at this time.

Breakthrough Genomics
Classification: Uncertain significance. Review status: criteria provided, single submitter. Criteria: ACMG Guidelines, 2015. Collection method: not provided. Allele origin: germline. Inheritance: Autosomal recessive inheritance. Affected: yes.

Literature cited by the submitters: PubMed 27582106 (cited by Labcorp Genetics (formerly Invitae), Labcorp and Johns Hopkins Genomics, Johns Hopkins University).

NM_001038.6(SCNN1A):c.1426C>T (p.Arg476Trp)

Gene: SCNN1A (sodium channel epithelial 1 subunit alpha; minus strand). Cytogenetic location: 12p13.31.
Variant type: single nucleotide variant.
Coding change: c.1426C>T on transcript NM_001038.6 (MANE Select); coding-DNA position 1426, C replaced by T.
Protein change: p.Arg476Trp; replaces arginine 476 with tryptophan.
Molecular consequence: missense variant.
Genome position (GRCh38, 1-based): chr12:6,349,340, G>A on the plus strand (C>T on the coding strand, the complement: SCNN1A is on the minus strand). VCF-style: chr12-6349340-G-A. GRCh37 (hg19) VCF-style: chr12-6458506-G-A.
Other names: c.1495C>T, p.Arg499Trp (NM_001159575.2); c.1603C>T, p.Arg535Trp (NM_001159576.2); short protein forms R476W, R499W, R535W.
Identifiers: ClinVar variation 1331718 (VCV001331718.9), dbSNP rs113622727, ClinGen allele CA6405876.